The following is an entry in ClinVar:

NM_144573.4(NEXN):c.839C>G (p.Ala280Gly)

Gene: NEXN (nexilin F-actin binding protein; plus strand). Cytogenetic location: 1p31.1.
Variant type: single nucleotide variant.
Coding change: c.839C>G on transcript NM_144573.4 (MANE Select); coding-DNA position 839, C replaced by G.
Protein change: p.Ala280Gly; replaces alanine 280 with glycine.
Molecular consequence: missense variant.
Genome position (GRCh38, 1-based): chr1:77,926,867, C>G. VCF-style: chr1-77926867-C-G. GRCh37 (hg19) VCF-style: chr1-78392552-C-G.
Other names: c.647C>G, p.Ala216Gly (NM_001172309.2); short protein forms A216G, A280G.
Identifiers: ClinVar variation 3919109 (VCV003919109.1).

ClinVar aggregate classification (germline): Uncertain significance (1 of 4 stars; one submission).

Conditions:
Cardiovascular phenotype. Identifiers: MedGen CN230736.

gnomAD v4.1: 9 of 1,613,744 alleles (0.00056%); highest among the groups gnomAD compares: Admixed American, 0.015%; no homozygotes.

Submission:

Ambry Genetics
Classification: Uncertain significance for Cardiovascular phenotype. Last evaluated: 2025-06-07. Review status: criteria provided, single submitter. Criteria: Ambry Variant Classification Scheme 2023. Collection method: clinical testing. Allele origin: germline.
Comment: The p.A280G variant (also known as c.839C>G), located in coding exon 7 of the NEXN gene, results from a C to G substitution at nucleotide position 839. The alanine at codon 280 is replaced by glycine, an amino acid with similar properties. This amino acid position is conserved. In addition, this alteration is predicted to be tolerated by in silico analysis. Based on the available evidence, the clinical significance of this variant remains unclear.